The following is an entry in ClinVar:

NM_003098.3(SNTA1):c.1505G>A (p.Gly502Glu)

Gene: SNTA1 (syntrophin alpha 1; minus strand). Cytogenetic location: 20q11.21.
Variant type: single nucleotide variant.
Coding change: c.1505G>A on transcript NM_003098.3 (MANE Select); coding-DNA position 1505, G replaced by A.
Protein change: p.Gly502Glu; replaces glycine 502 with glutamic acid.
Molecular consequence: missense variant. On other transcripts: 3 prime UTR variant (1).
Genome position (GRCh38, 1-based): chr20:33,408,520, C>T on the plus strand (G>A on the coding strand, the complement: SNTA1 is on the minus strand). VCF-style: chr20-33408520-C-T. GRCh37 (hg19) VCF-style: chr20-31996326-C-T.
Other names: c.1502G>A, p.Gly501Glu (NM_001424413.1); c.*46G>A (NM_001424414.1); short protein forms G501E, G502E.
Identifiers: ClinVar variation 4171242 (VCV004171242.1).

ClinVar aggregate classification (germline): Uncertain significance (1 of 4 stars; one submission).

Conditions:
Cardiovascular phenotype. Identifiers: MedGen CN230736.

Submission:

Ambry Genetics
Classification: Uncertain significance for Cardiovascular phenotype. Last evaluated: 2025-08-28. Review status: criteria provided, single submitter. Criteria: Ambry Variant Classification Scheme 2023. Collection method: clinical testing. Allele origin: germline.
Comment: The p.G502E variant (also known as c.1505G>A), located in coding exon 8 of the SNTA1 gene, results from a G to A substitution at nucleotide position 1505. The glycine at codon 502 is replaced by glutamic acid, an amino acid with similar properties. This amino acid position is conserved. In addition, the in silico prediction for this alteration is inconclusive. Based on the available evidence, the clinical significance of this variant remains unclear.